The following is an entry in ClinVar:

NM_012254.3(SLC27A5):c.1667+4C>T

Gene: SLC27A5 (solute carrier family 27 member 5; minus strand). Cytogenetic location: 19q13.43.
Variant type: single nucleotide variant.
Coding change: c.1667+4C>T on transcript NM_012254.3 (MANE Select); 4 bases into the intron after coding-DNA position 1667, C replaced by T.
Molecular consequence: intron variant.
Genome position (GRCh38, 1-based): chr19:58,499,488, G>A on the plus strand (C>T on the coding strand, the complement: SLC27A5 is on the minus strand). VCF-style: chr19-58499488-G-A. GRCh37 (hg19) VCF-style: chr19-59010855-G-A.
Other names: c.1415+4C>T (NM_001321196.2).
Identifiers: ClinVar variation 3036131 (VCV003036131.3), dbSNP rs371858441, ClinGen allele CA9717891.

ClinVar aggregate classification (germline): Uncertain significance. Review status: criteria provided, single submitter (1 of 4 stars). 2 submissions from 2 submitters: Uncertain significance (1). 1 of the submissions does not count toward it. Last evaluated 2025-09-09.

Conditions:
SLC27A5-related disorder. Also called: SLC27A5-related condition.

Allele frequency attached by ClinVar (database versions not stated): TOPMed 0.00004; gnomAD exomes 0.00006; ESP Exome Variant Server 0.00008; gnomAD 0.00003; ExAC 0.00004.

Submissions (2):

Labcorp Genetics (formerly Invitae), Labcorp
Classification: Uncertain significance. Last evaluated: 2025-09-09. Review status: criteria provided, single submitter. Criteria: Invitae Variant Classification Sherloc (09022015). Collection method: clinical testing. Allele origin: germline.
Comment: This sequence change falls in intron 7 of the SLC27A5 gene. It does not directly change the encoded amino acid sequence of the SLC27A5 protein. It affects a nucleotide within the consensus splice site. This variant is present in population databases (rs371858441, gnomAD 0.009%). This variant has not been reported in the literature in individuals affected with SLC27A5-related conditions. ClinVar contains an entry for this variant (Variation ID: 3036131). Variants that disrupt the consensus splice site are a relatively common cause of aberrant splicing (PMID: 17576681, 9536098). Algorithms developed to predict the effect of sequence changes on RNA splicing suggest that this variant may disrupt the consensus splice site. In summary, the available evidence is currently insufficient to determine the role of this variant in disease. Therefore, it has been classified as a Variant of Uncertain Significance.

PreventionGenetics, part of Exact Sciences
Classification: Likely benign for SLC27A5-related condition. Last evaluated: 2022-12-12. Review status: no assertion criteria provided. Collection method: clinical testing. Allele origin: germline. Not counted in ClinVar's aggregate classification.
Comment: This variant is classified as likely benign based on ACMG/AMP sequence variant interpretation guidelines (Richards et al. 2015 PMID: 25741868, with internal and published modifications).

Literature cited by the submitters: PubMed 17576681 (cited by Labcorp Genetics (formerly Invitae), Labcorp); PubMed 9536098 (cited by Labcorp Genetics (formerly Invitae), Labcorp).